The following is an entry in ClinVar:

NM_001042475.3(CEP85L):c.1288C>A (p.Pro430Thr)

Gene: CEP85L (centrosomal protein 85 like; minus strand). Cytogenetic location: 6q22.31.
Variant type: single nucleotide variant.
Coding change: c.1288C>A on transcript NM_001042475.3 (MANE Select); coding-DNA position 1288, C replaced by A.
Protein change: p.Pro430Thr; replaces proline 430 with threonine.
Molecular consequence: missense variant.
Genome position (GRCh38, 1-based): chr6:118,491,835, G>T on the plus strand (C>A on the coding strand, the complement: CEP85L is on the minus strand). VCF-style: chr6-118491835-G-T. GRCh37 (hg19) VCF-style: chr6-118812998-G-T.
Other names: c.1297C>A, p.Pro433Thr (NM_001178035.2); c.1288C>A, p.Pro430Thr (NM_206921.3); short protein forms P430T, P433T.
Identifiers: ClinVar variation 3893368 (VCV003893368.1).
Genomic context (GRCh38, chr6:118,491,835, plus strand): 5'-ATGCAAGCTTTTGCTCAAATTCCCCTTGTTGGGAATGGGAAACTGATTCCTCTGAAAATG[G>T]TGTCTGGAGTGAAGTGTTCTCATATTGTGGCTGTTAGGAAAGAAAAAAAGGAGGTAAGAC-3'
Protein context (NP_001035940.1, residues 420-440): PQYENTSLQT[Pro430Thr]FSEESVSHSQ

ClinVar aggregate classification (germline): Uncertain significance (1 of 4 stars; one submission).

Submission:

GeneDx
Classification: Uncertain significance. Last evaluated: 2024-10-03. Review status: criteria provided, single submitter. Criteria: GeneDx Variant Classification Process June 2021. Collection method: clinical testing. Allele origin: germline. Affected: yes.
Comment: Not observed at significant frequency in large population cohorts (gnomAD); In silico analysis indicates that this missense variant does not alter protein structure/function; Has not been previously published as pathogenic or benign to our knowledge